The following is an entry in ClinVar:

NM_005120.3(MED12):c.3598C>T (p.Arg1200Cys)

Gene: MED12 (mediator complex subunit 12; plus strand). Cytogenetic location: Xq13.1.
Variant type: single nucleotide variant.
Coding change: c.3598C>T on transcript NM_005120.3 (MANE Select); coding-DNA position 3598, C replaced by T.
Protein change: p.Arg1200Cys; replaces arginine 1200 with cysteine.
Molecular consequence: missense variant.
Genome position (GRCh38, 1-based): chrX:71,129,336, C>T. VCF-style: chrX-71129336-C-T. GRCh37 (hg19) VCF-style: chrX-70349186-C-T.
Other names: c.3598C>T (NM_005120.2); short protein forms R1200C.
Identifiers: ClinVar variation 2795881 (VCV002795881.4), dbSNP rs1304464082, ClinGen allele CA413520126.

ClinVar aggregate classification (germline): Uncertain significance. Review status: criteria provided, multiple submitters, no conflicts (2 of 4 stars). 2 submissions from 2 submitters: Uncertain significance (2). Last evaluated 2024-11-30.

Conditions:
FG syndrome (FGS). Identifiers: MedGen C0220769, MONDO:0002010.
Familial thoracic aortic aneurysm and aortic dissection (TAAD). Also called: Thoracic aortic aneurysms and dissections. Identifiers: Orphanet 91387, MedGen C4707243, MONDO:0019625.

Allele frequency attached by ClinVar (database versions not stated): gnomAD exomes below 0.00001.
gnomAD v4.1: 2 of 1,206,867 alleles (0.00017%); highest among the groups gnomAD compares: Non-Finnish European, 0.00011%; no homozygotes.

Submissions (2):

Ambry Genetics
Classification: Uncertain significance for Familial thoracic aortic aneurysm and aortic dissection. Last evaluated: 2024-11-30. Review status: criteria provided, single submitter. Criteria: Ambry Variant Classification Scheme 2023. Collection method: clinical testing. Allele origin: germline.
Comment: The p.R1200C variant (also known as c.3598C>T), located in coding exon 26 of the MED12 gene, results from a C to T substitution at nucleotide position 3598. The arginine at codon 1200 is replaced by cysteine, an amino acid with highly dissimilar properties. This amino acid position is conserved. In addition, this alteration is predicted to be deleterious by in silico analysis. Based on the available evidence, the clinical significance of this variant remains unclear.

Labcorp Genetics (formerly Invitae), Labcorp
Classification: Uncertain significance for FG syndrome. Last evaluated: 2023-04-06. Review status: criteria provided, single submitter. Criteria: Invitae Variant Classification Sherloc (09022015). Collection method: clinical testing. Allele origin: germline.
Comment: This variant has not been reported in the literature in individuals affected with MED12-related conditions. Advanced modeling of protein sequence and biophysical properties (such as structural, functional, and spatial information, amino acid conservation, physicochemical variation, residue mobility, and thermodynamic stability) has been performed at Invitae for this missense variant, however the output from this modeling did not meet the statistical confidence thresholds required to predict the impact of this variant on MED12 protein function. In summary, the available evidence is currently insufficient to determine the role of this variant in disease. Therefore, it has been classified as a Variant of Uncertain Significance. This sequence change replaces arginine, which is basic and polar, with cysteine, which is neutral and slightly polar, at codon 1200 of the MED12 protein (p.Arg1200Cys). This variant is present in population databases (no rsID available, gnomAD 0.004%).